The following is an entry in ClinVar:

NM_000553.6(WRN):c.550C>T (p.Leu184Phe)

Gene: WRN (WRN RecQ like helicase; plus strand). Cytogenetic location: 8p12.
Variant type: single nucleotide variant.
Coding change: c.550C>T on transcript NM_000553.6 (MANE Select); coding-DNA position 550, C replaced by T.
Protein change: p.Leu184Phe; replaces leucine 184 with phenylalanine.
Molecular consequence: missense variant.
Genome position (GRCh38, 1-based): chr8:31,067,078, C>T. VCF-style: chr8-31067078-C-T. GRCh37 (hg19) VCF-style: chr8-30924594-C-T.
Other names: short protein forms L184F.
Identifiers: ClinVar variation 2201346 (VCV002201346.4), dbSNP rs1193726075, ClinGen allele CA370916012.

ClinVar aggregate classification (germline): Uncertain significance (1 of 4 stars; one submission).

Conditions:
Werner syndrome (WRN). Identifiers: Orphanet 902, MedGen C0043119, MONDO:0010196, OMIM 277700.

gnomAD v4.1: 1 of 1,613,940 alleles (0.000062%); highest among the groups gnomAD compares: South Asian, 0.0011%; no homozygotes.

Submission:

Labcorp Genetics (formerly Invitae), Labcorp
Classification: Uncertain significance for Werner syndrome. Last evaluated: 2024-04-05. Review status: criteria provided, single submitter. Criteria: Invitae Variant Classification Sherloc (09022015). Collection method: clinical testing. Allele origin: germline.
Comment: This sequence change replaces leucine, which is neutral and non-polar, with phenylalanine, which is neutral and non-polar, at codon 184 of the WRN protein (p.Leu184Phe). This variant is not present in population databases (gnomAD no frequency). This variant has not been reported in the literature in individuals affected with WRN-related conditions. ClinVar contains an entry for this variant (Variation ID: 2201346). An algorithm developed to predict the effect of missense changes on protein structure and function (PolyPhen-2) suggests that this variant is likely to be disruptive. In summary, the available evidence is currently insufficient to determine the role of this variant in disease. Therefore, it has been classified as a Variant of Uncertain Significance.